The following is an entry in ClinVar:

NM_001384125.1(BLTP1):c.14641T>C (p.Leu4881=)

Gene: BLTP1 (bridge-like lipid transfer protein family member 1; plus strand). Cytogenetic location: 4q27.
Variant type: single nucleotide variant.
Coding change: c.14641T>C on transcript NM_001384125.1 (MANE Select); coding-DNA position 14641, T replaced by C.
Protein change: p.Leu4881=; no amino-acid change (leucine 4881 retained).
Molecular consequence: synonymous variant.
Genome position (GRCh38, 1-based): chr4:122,355,867, T>C. VCF-style: chr4-122355867-T-C. GRCh37 (hg19) VCF-style: chr4-123277022-T-C.
Other names: c.14377T>C, p.Leu4793= (NM_015312.4).
Identifiers: ClinVar variation 3234183 (VCV003234183.21), dbSNP rs778239176, ClinGen allele CA3068384.

ClinVar aggregate classification (germline): Likely benign. Review status: criteria provided, multiple submitters, no conflicts (2 of 4 stars). 2 submissions from 2 submitters: Likely benign (2). Last evaluated 2025-02-16.

Allele frequency attached by ClinVar (database versions not stated): TOPMed 0.00007; ExAC 0.00009; gnomAD exomes 0.00009; gnomAD 0.00017.
gnomAD v4.1: 158 of 1,612,910 alleles (0.0098%); highest among the groups gnomAD compares: South Asian, 0.013%; no homozygotes.

Submissions (2):

Laboratory of Genetics, Children's Clinical University Hospital Latvia
Classification: Likely benign. Last evaluated: 2025-02-16. Review status: criteria provided, single submitter. Criteria: ACMG Guidelines, 2015. Collection method: clinical testing. Allele origin: germline. Affected: yes.

CeGaT Center for Human Genetics Tuebingen
Classification: Likely benign. Last evaluated: 2024-04-01. Review status: criteria provided, single submitter. Criteria: CeGaT Center For Human Genetics Tuebingen Variant Classification Criteria Version 2. Collection method: clinical testing. Allele origin: germline. Affected: yes. Observed: 1 variant allele.
Comment: BLTP1: BP4, BP7